The following is an entry in ClinVar:

NM_000383.4(AIRE):c.689del (p.Phe230fs)

Gene: AIRE (autoimmune regulator; plus strand). Cytogenetic location: 21q22.3.
Variant type: Deletion.
Coding change: c.689del on transcript NM_000383.4 (MANE Select); coding-DNA position 689, one base deleted (T; older notation c.689delT).
Protein change: p.Phe230fs; shifts the reading frame from phenylalanine 230.
Molecular consequence: frameshift variant.
Genome position (GRCh38, 1-based): chr21:44,289,693, T deleted; the last of 2 consecutive T bases (chr21:44,289,692-44,289,693); deleting either gives the same sequence. VCF-style (leftmost placement, unchanged base first): chr21-44289691-GT-G. GRCh37 (hg19) VCF-style: chr21-45709574-GT-G.
Other names: short protein forms F230fs.
Identifiers: ClinVar variation 5016094 (VCV005016094.1).
Genomic context (GRCh38, chr21:44,289,691, plus strand): 5'-CAGGACCAGCCGGCATCTCCTCCCAGGCGGCTCCAAGAAGTGCATCCAGGTTGGCGGGGA[GT>G]TCTACACTCCCAGCAAGTTCGAAGACTCCGGCAGTGGGAAGAACAAGGCCCGCAGCAGCA-3'

ClinVar aggregate classification (germline): Pathogenic (1 of 4 stars; one submission).

Conditions:
Polyglandular autoimmune syndrome, type 1 (APS1). Also called: AUTOIMMUNE POLYENDOCRINE SYNDROME, TYPE I, WITH OR WITHOUT REVERSIBLE METAPHYSEAL DYSPLASIA; APS I; HYPOADRENOCORTICISM WITH HYPOPARATHYROIDISM AND SUPERFICIAL MONILIASIS; PGA I; Autoimmune polyendocrine syndrome type 1; Whitaker syndrome. Identifiers: Orphanet 3453, MedGen C0085859, MONDO:0009411, OMIM 240300.

Submission:

Myriad Genetics, Inc.
Classification: Pathogenic for Polyglandular autoimmune syndrome, type 1. Last evaluated: 2026-06-29. Review status: criteria provided, single submitter. Criteria: Myriad Autosomal Dominant, Autosomal Recessive and X-Linked Classification Criteria (2023). Collection method: clinical testing. Allele origin: unknown.
Comment: NM_000383.3(AIRE):c.689delT(F230Sfs*148) is expected to be pathogenic in the context of autoimmune polyglandular syndrome type 1. This variant is predicted to lead to an abnormal or absent protein product due to the creation of a premature termination codon in AIRE, a gene where loss-of-function variants are known to be pathogenic. Please note: this variant was assessed in the context of healthy population screening.